The following is an entry in ClinVar:

ClinVar aggregate classification (germline): Conflicting classifications of pathogenicity. Review status: criteria provided, conflicting classifications (1 of 4 stars). 2 submissions from 1 submitter: Uncertain significance (1); Benign (1). Last evaluated 2018-01-13.

Conditions:
Aortic aneurysm, familial thoracic 6 (AAT6). Also called: FAMILIAL THORACIC AORTIC ANEURYSM WITH LIVEDO RETICULARIS AND IRIS FLOCCULI. Identifiers: MedGen C2673186, MONDO:0012730, OMIM 611788.
Multisystemic smooth muscle dysfunction syndrome (SMDYS). Also called: MYDRIASIS, CONGENITAL, WITH PATENT DUCTUS ARTERIOSUS, THORACIC AORTIC ANEURYSM, AND VASCULOPATHY; SMOOTH MUSCLE DYSFUNCTION SYNDROME. Identifiers: Orphanet 404463, MedGen C3151201, MONDO:0013452, OMIM 613834.

Allele frequency attached by ClinVar (database versions not stated): TOPMed 0.00036; 1000 Genomes Project 0.00060; gnomAD 0.00033; 1000 Genomes Project 30x 0.00047.

Submissions (2):

Illumina Laboratory Services, Illumina
Classification: Uncertain significance for Aortic aneurysm, familial thoracic 6. Last evaluated: 2018-01-13. Review status: criteria provided, single submitter. Criteria: ICSL Variant Classification Criteria 13 December 2019. Collection method: clinical testing. Allele origin: germline.

Illumina Laboratory Services, Illumina
Classification: Benign for Multisystemic smooth muscle dysfunction syndrome. Last evaluated: 2018-01-13. Review status: criteria provided, single submitter. Criteria: ICSL Variant Classification Criteria 13 December 2019. Collection method: clinical testing. Allele origin: germline.
Comment: This variant was observed in the ICSL laboratory as part of a predisposition screen in an ostensibly healthy population. It had not been previously curated by ICSL or reported in the Human Gene Mutation Database (HGMD: prior to June 1st, 2018), and was therefore a candidate for classification through an automated scoring system. Utilizing variant allele frequency, disease prevalence and penetrance estimates, and inheritance mode, an automated score was calculated to assess if this variant is too frequent to cause the disease. Based on the score and internal cut-off values, a variant classified as benign is not then subjected to further curation. The score for this variant resulted in a classification of benign for this disease.

NM_001141945.3(ACTA2):c.-23-3831T>C

Gene: ACTA2 (actin alpha 2, smooth muscle; minus strand). Cytogenetic location: 10q23.31.
Variant type: single nucleotide variant.
Coding change: c.-23-3831T>C on transcript NM_001141945.3; 3831 bases into the intron before 23 bases upstream of the start codon, T replaced by C.
Molecular consequence: intron variant.
Genome position (GRCh38, 1-based): chr10:88,952,784, A>G on the plus strand (T>C on the coding strand, the complement: ACTA2 is on the minus strand). VCF-style: chr10-88952784-A-G. GRCh37 (hg19) VCF-style: chr10-90712541-A-G.
Other names: c.-77T>C (NM_001613.2); c.-23-3831T>C (NM_001406467.1, NM_001320855.2, NM_001406462.1 and 3 more transcripts).
Identifiers: ClinVar variation 877877 (VCV000877877.6), dbSNP rs552541075, ClinGen allele CA211331350.